The following is an entry in ClinVar:

NM_014795.4(ZEB2):c.66G>T (p.Arg22Ser)

Gene: ZEB2 (zinc finger E-box binding homeobox 2; minus strand). Cytogenetic location: 2q22.3.
Variant type: single nucleotide variant.
Coding change: c.66G>T on transcript NM_014795.4 (MANE Select); coding-DNA position 66, G replaced by T.
Protein change: p.Arg22Ser; replaces arginine 22 with serine.
Molecular consequence: missense variant. On other transcripts: non-coding transcript variant (1).
Genome position (GRCh38, 1-based): chr2:144,517,285, C>A on the plus strand (G>T on the coding strand, the complement: ZEB2 is on the minus strand). VCF-style: chr2-144517285-C-A. GRCh37 (hg19) VCF-style: chr2-145274852-C-A.
Other names: c.66G>T, p.Arg22Ser (NM_001171653.2); short protein forms R22S.
Identifiers: ClinVar variation 3343230 (VCV003343230.2).

ClinVar aggregate classification (germline): Uncertain significance (1 of 4 stars; one submission).

Submission:

GeneDx
Classification: Uncertain significance. Last evaluated: 2026-05-23. Review status: criteria provided, single submitter. Criteria: GeneDx Variant Classification Process June 2021. Collection method: clinical testing. Allele origin: germline.
Comment: Not observed at significant frequency in large population cohorts (gnomAD); In silico analysis supports that this missense variant has a deleterious effect on protein structure/function; Has not been previously published as pathogenic or benign to our knowledge